The following is an entry in ClinVar:

ClinVar aggregate classification (germline): Uncertain significance (1 of 4 stars; one submission).

Submission:

Labcorp Genetics (formerly Invitae), Labcorp
Classification: Uncertain significance. Last evaluated: 2022-01-13. Review status: criteria provided, single submitter. Criteria: Invitae Variant Classification Sherloc (09022015). Collection method: clinical testing. Allele origin: germline.
Comment: In summary, the available evidence is currently insufficient to determine the role of this variant in disease. Therefore, it has been classified as a Variant of Uncertain Significance. Advanced modeling of protein sequence and biophysical properties (such as structural, functional, and spatial information, amino acid conservation, physicochemical variation, residue mobility, and thermodynamic stability) performed at Invitae indicates that this missense variant is not expected to disrupt COL27A1 protein function. This variant has not been reported in the literature in individuals affected with COL27A1-related conditions. This variant is not present in population databases (gnomAD no frequency). This sequence change replaces proline, which is neutral and non-polar, with serine, which is neutral and polar, at codon 656 of the COL27A1 protein (p.Pro656Ser).

NM_032888.4(COL27A1):c.1966C>T (p.Pro656Ser)

Gene: COL27A1 (collagen type XXVII alpha 1 chain; plus strand). Cytogenetic location: 9q32.
Variant type: single nucleotide variant.
Coding change: c.1966C>T on transcript NM_032888.4 (MANE Select); coding-DNA position 1966, C replaced by T.
Protein change: p.Pro656Ser; replaces proline 656 with serine.
Molecular consequence: missense variant.
Genome position (GRCh38, 1-based): chr9:114,183,025, C>T. VCF-style: chr9-114183025-C-T. GRCh37 (hg19) VCF-style: chr9-116945305-C-T.
Other names: short protein forms P656S.
Identifiers: ClinVar variation 1439270 (VCV001439270.6), dbSNP rs1344379232, ClinGen allele CA374598369.